The following is an entry in ClinVar:

NM_000051.4(ATM):c.5132C>T (p.Thr1711Ile)

Gene: ATM (ATM serine/threonine kinase; plus strand). Cytogenetic location: 11q22.3.
Variant type: single nucleotide variant.
Coding change: c.5132C>T on transcript NM_000051.4 (MANE Select); coding-DNA position 5132, C replaced by T.
Protein change: p.Thr1711Ile; replaces threonine 1711 with isoleucine.
Molecular consequence: missense variant.
Genome position (GRCh38, 1-based): chr11:108,299,840, C>T. VCF-style: chr11-108299840-C-T. GRCh37 (hg19) VCF-style: chr11-108170567-C-T.
Other names: c.5132C>T, p.Thr1711Ile (NM_001351834.2); short protein forms T1711I.
Identifiers: ClinVar variation 845238 (VCV000845238.19), dbSNP rs1291016764, ClinGen allele CA382540930.

ClinVar aggregate classification (germline): Conflicting classifications of pathogenicity. Review status: criteria provided, conflicting classifications (1 of 4 stars). 4 submissions from 4 submitters: Uncertain significance (2); Likely benign (1). 1 of the submissions does not count toward it. Last evaluated 2024-11-03.

Conditions:
Hereditary cancer-predisposing syndrome. Also called: Neoplastic Syndromes, Hereditary; Hereditary neoplastic syndrome; Tumor predisposition; Hereditary Cancer Syndrome. Identifiers: Orphanet 140162, MedGen C0027672, MeSH D009386, MONDO:0015356.
Ataxia-telangiectasia syndrome (AT). Also called: Ataxia-telangiectasia, complementation group D; AT, COMPLEMENTATION GROUP C; Ataxia telangiectasia (A-T); Cerebello-oculocutaneous telangiectasia; Immunodeficiency with ataxia telangiectasia; Ataxia-telangiectasia. Identifiers: Orphanet 100, MedGen C0004135, MONDO:0008840, OMIM 208900.

Submissions (4):

Labcorp Genetics (formerly Invitae), Labcorp
Classification: Uncertain significance for Ataxia-telangiectasia syndrome. Last evaluated: 2024-11-03. Review status: criteria provided, single submitter. Criteria: Invitae Variant Classification Sherloc (09022015). Collection method: clinical testing. Allele origin: germline.
Comment: This sequence change replaces threonine, which is neutral and polar, with isoleucine, which is neutral and non-polar, at codon 1711 of the ATM protein (p.Thr1711Ile). This variant is not present in population databases (gnomAD no frequency). This variant has not been reported in the literature in individuals affected with ATM-related conditions. ClinVar contains an entry for this variant (Variation ID: 845238). Invitae Evidence Modeling of protein sequence and biophysical properties (such as structural, functional, and spatial information, amino acid conservation, physicochemical variation, residue mobility, and thermodynamic stability) indicates that this missense variant is not expected to disrupt ATM protein function with a negative predictive value of 95%. In summary, the available evidence is currently insufficient to determine the role of this variant in disease. Therefore, it has been classified as a Variant of Uncertain Significance.

Ambry Genetics
Classification: Likely benign for Hereditary cancer-predisposing syndrome. Last evaluated: 2024-10-15. Review status: criteria provided, single submitter. Criteria: Ambry Variant Classification Scheme 2023. Collection method: clinical testing. Allele origin: germline.

Color Diagnostics, LLC DBA Color Health
Classification: Uncertain significance for Hereditary cancer-predisposing syndrome. Last evaluated: 2020-03-17. Review status: criteria provided, single submitter. Criteria: ACMG Guidelines, 2015. Collection method: clinical testing. Allele origin: germline.
Comment: This missense variant replaces threonine with isoleucine at codon 1711 of the ATM protein. Computational prediction is inconclusive regarding the impact of this variant on protein structure and function (internally defined REVEL score threshold 0.5 < inconclusive < 0.7, PMID: 27666373). Splice site prediction tools suggest that this variant may not impact RNA splicing. To our knowledge, functional studies have not been reported for this variant. This variant has not been reported in individuals affected with hereditary cancer in the literature. This variant has not been identified in the general population by the Genome Aggregation Database (gnomAD). The available evidence is insufficient to determine the role of this variant in disease conclusively. Therefore, this variant is classified as a Variant of Uncertain Significance.

Natera, Inc.
Classification: Uncertain significance for Ataxia-telangiectasia. Last evaluated: 2021-06-01. Review status: no assertion criteria provided. Collection method: clinical testing. Allele origin: germline. Not counted in ClinVar's aggregate classification.